The following is an entry in ClinVar:

NM_007294.4(BRCA1):c.2530del (p.Ser844fs)

Gene: BRCA1 (BRCA1 DNA repair associated; minus strand). Cytogenetic location: 17q21.31.
Variant type: Deletion.
Coding change: c.2530del on transcript NM_007294.4 (MANE Select); coding-DNA position 2530, one base deleted (A; older notation c.2530delA).
Protein change: p.Ser844fs; shifts the reading frame from serine 844.
Molecular consequence: frameshift variant. On other transcripts: intron variant (137).
Genome position (GRCh38, 1-based): chr17:43,093,001, T deleted on the plus strand (A on the coding strand, the reverse complement: BRCA1 is on the minus strand); the first of 2 consecutive T bases (chr17:43,093,001-43,093,002); deleting either gives the same sequence. VCF-style (leftmost placement, unchanged base first): chr17-43093000-CT-C. GRCh37 (hg19) VCF-style: chr17-41245017-CT-C.
Other names: c.577+1743del (NM_001408480.1, NM_001408481.1, NM_001408492.1 and 9 more transcripts); c.778+1743del (NM_001408408.1); c.2527del, p.Ser843fs (NM_001407614.1, NM_001407615.1, NM_001407860.1 and 22 more transcripts); c.2530del, p.Ser844fs (NM_001407616.1, NM_001407619.1, NM_001407617.1 and 30 more transcripts); c.661+1743del (NM_001408435.1, NM_001408446.1, NM_001408448.1 and 6 more transcripts); c.784+1743del (NM_001408401.1, NM_001408396.1, NM_001407985.1 and 13 more transcripts); c.548-1969del (NM_001408494.1); c.664+1743del (NM_001408444.1, NM_001408436.1, NM_001408438.1 and 12 more transcripts); and 42 more; short protein forms S797fs, S844fs, S676fs, S716fs, S755fs, S776fs, S777fs, S818fs.
Identifiers: ClinVar variation 1792697 (VCV001792697.7), dbSNP rs2552187612, ClinGen allele CA658761300.

ClinVar aggregate classification (germline): Pathogenic. Review status: criteria provided, multiple submitters, no conflicts (2 of 4 stars). 2 submissions from 2 submitters: Pathogenic (2). Last evaluated 2022-01-06.

Conditions:
Hereditary breast ovarian cancer syndrome. Also called: Hereditary breast and ovarian cancer; Hereditary breast and ovarian cancer syndrome; Breast and ovarian cancer; Hereditary breast and/or ovarian cancer syndrome; BRCA1- and BRCA2-Associated Hereditary Breast and Ovarian Cancer; Hereditary breast and ovarian cancer syndrome (HBOC). Identifiers: Orphanet 145, MedGen C0677776, MeSH D061325, MONDO:0003582. Disease mechanism: loss of function.
Hereditary cancer-predisposing syndrome. Also called: Tumor predisposition; Hereditary Cancer Syndrome; Neoplastic Syndromes, Hereditary; Hereditary neoplastic syndrome. Identifiers: Orphanet 140162, MedGen C0027672, MeSH D009386, MONDO:0015356.

Submissions (2):

Labcorp Genetics (formerly Invitae), Labcorp
Classification: Pathogenic for Hereditary breast ovarian cancer syndrome. Last evaluated: 2022-01-06. Review status: criteria provided, single submitter. Criteria: Invitae Variant Classification Sherloc (09022015). Collection method: clinical testing. Allele origin: germline.
Comment: This variant is not present in population databases (gnomAD no frequency). For these reasons, this variant has been classified as Pathogenic. This variant has not been reported in the literature in individuals affected with BRCA1-related conditions. This sequence change creates a premature translational stop signal (p.Ser844Alafs*2) in the BRCA1 gene. It is expected to result in an absent or disrupted protein product. Loss-of-function variants in BRCA1 are known to be pathogenic (PMID: 20104584).

Ambry Genetics
Classification: Pathogenic for Hereditary cancer-predisposing syndrome. Last evaluated: 2017-09-22. Review status: criteria provided, single submitter. Criteria: Ambry Variant Classification Scheme 2023. Collection method: clinical testing. Allele origin: germline.
Comment: The c.2530delA pathogenic mutation, located in coding exon 9 of the BRCA1 gene, results from a deletion of one nucleotide at nucleotide position 2530, causing a translational frameshift with a predicted alternate stop codon (p.S844Afs*2). This alteration is expected to result in loss of function by premature protein truncation or nonsense-mediated mRNA decay. As such, this alteration is interpreted as a disease-causing mutation.

Literature cited by the submitters: PubMed 20104584 (cited by Labcorp Genetics (formerly Invitae), Labcorp); PubMed 8808710 (cited by Ambry Genetics).